The following is an entry in ClinVar:

NM_007325.5(GRIA3):c.329T>G (p.Met110Arg)

Gene: GRIA3 (glutamate ionotropic receptor AMPA type subunit 3; plus strand). Cytogenetic location: Xq25.
Variant type: single nucleotide variant.
Coding change: c.329T>G on transcript NM_007325.5 (MANE Select); coding-DNA position 329, T replaced by G.
Protein change: p.Met110Arg; replaces methionine 110 with arginine.
Molecular consequence: missense variant.
Genome position (GRCh38, 1-based): chrX:123,253,363, T>G. VCF-style: chrX-123253363-T-G. GRCh37 (hg19) VCF-style: chrX-122387214-T-G.
Other names: c.329T>G, p.Met110Arg (NM_000828.5); short protein forms M110R.
Identifiers: ClinVar variation 3668291 (VCV003668291.2).

ClinVar aggregate classification (germline): Uncertain significance (1 of 4 stars; one submission).

Submission:

Labcorp Genetics (formerly Invitae), Labcorp
Classification: Uncertain significance. Last evaluated: 2024-06-09. Review status: criteria provided, single submitter. Criteria: Invitae Variant Classification Sherloc (09022015). Collection method: clinical testing. Allele origin: germline.
Comment: This sequence change replaces methionine, which is neutral and non-polar, with arginine, which is basic and polar, at codon 110 of the GRIA3 protein (p.Met110Arg). This variant is not present in population databases (gnomAD no frequency). This variant has not been reported in the literature in individuals affected with GRIA3-related conditions. Advanced modeling of protein sequence and biophysical properties (such as structural, functional, and spatial information, amino acid conservation, physicochemical variation, residue mobility, and thermodynamic stability) performed at Invitae indicates that this missense variant is not expected to disrupt GRIA3 protein function with a negative predictive value of 80%. In summary, the available evidence is currently insufficient to determine the role of this variant in disease. Therefore, it has been classified as a Variant of Uncertain Significance.